The following is an entry in ClinVar:

ClinVar aggregate classification (germline): Pathogenic (1 of 4 stars; one submission).

Submission:

Labcorp Genetics (formerly Invitae), Labcorp
Classification: Pathogenic. Last evaluated: 2025-11-19. Review status: criteria provided, single submitter. Criteria: Invitae Variant Classification Sherloc (09022015). Collection method: clinical testing. Allele origin: germline.
Comment: This sequence change creates a premature translational stop signal (p.Asn70Hisfs*3) in the KLHL7 gene. It is expected to result in an absent or disrupted protein product. Loss-of-function variants in KLHL7 are known to be pathogenic (PMID: 27392078, 29074562, 30426380, 31953236). This variant is not present in population databases (gnomAD no frequency). This variant has not been reported in the literature in individuals affected with KLHL7-related conditions. For these reasons, this variant has been classified as Pathogenic.

Literature cited by the submitters: PubMed 27392078; PubMed 29074562; PubMed 30426380; PubMed 31953236.

NM_001031710.3(KLHL7):c.208_218del (p.Asn70fs)

Gene: KLHL7 (kelch like family member 7; plus strand). Cytogenetic location: 7p15.3.
Variant type: Deletion.
Coding change: c.208_218del on transcript NM_001031710.3 (MANE Select); coding-DNA positions 208 to 218, 11 bases deleted (AACTTAATGTT).
Protein change: p.Asn70fs; shifts the reading frame from asparagine 70.
Molecular consequence: frameshift variant. On other transcripts: non-coding transcript variant (2).
Genome position (GRCh38, 1-based): chr7:23,123,864-23,123,874, AACTTAATGTT deleted; deleting any 11 consecutive bases within chr7:23,123,862-23,123,874 gives the same sequence; the c. name uses the placement nearest the transcript's 3' end. VCF-style (leftmost placement, unchanged base first): chr7-23123861-TTTAACTTAATG-T. GRCh37 (hg19) VCF-style: chr7-23163480-TTTAACTTAATG-T.
Other names: c.208_218del, p.Asn70fs (NM_001172428.2); c.64_74del, p.Asn22fs (NM_018846.5); short protein forms N22fs, N70fs.
Identifiers: ClinVar variation 4731593 (VCV004731593.1).